The following is an entry in ClinVar:

NM_014795.4(ZEB2):c.980C>T (p.Ser327Leu)

Gene: ZEB2 (zinc finger E-box binding homeobox 2; minus strand). Cytogenetic location: 2q22.3.
Variant type: single nucleotide variant.
Coding change: c.980C>T on transcript NM_014795.4 (MANE Select); coding-DNA position 980, C replaced by T.
Protein change: p.Ser327Leu; replaces serine 327 with leucine.
Molecular consequence: missense variant.
Genome position (GRCh38, 1-based): chr2:144,400,207, G>A on the plus strand (C>T on the coding strand, the complement: ZEB2 is on the minus strand). VCF-style: chr2-144400207-G-A. GRCh37 (hg19) VCF-style: chr2-145157774-G-A.
Other names: c.908C>T, p.Ser303Leu (NM_001171653.2); c.980C>T (NM_014795.3); short protein forms S303L, S327L.
Identifiers: ClinVar variation 4743698 (VCV004743698.2).

ClinVar aggregate classification (germline): Uncertain significance. Review status: criteria provided, multiple submitters, no conflicts (2 of 4 stars). 2 submissions from 2 submitters: Uncertain significance (2). Last evaluated 2026-02-27.

Conditions:
Mowat-Wilson syndrome (MOWS). Also called: Classic Mowat-Wilson Syndrome. Identifiers: Orphanet 2152, MedGen C1856113, MONDO:0009341, OMIM 235730.
Inborn genetic diseases. Identifiers: MedGen C0950123, MeSH D030342.

Submissions (2):

Ambry Genetics
Classification: Uncertain significance for Inborn genetic diseases. Last evaluated: 2026-02-27. Review status: criteria provided, single submitter. Criteria: Ambry Variant Classification Scheme 2023. Collection method: clinical testing. Allele origin: germline.
Comment: The c.980C>T (p.S327L) alteration is located in exon 8 (coding exon 7) of the ZEB2 gene. This alteration results from a C to T substitution at nucleotide position 980, causing the serine (S) at amino acid position 327 to be replaced by a leucine (L). Based on data from gnomAD, the T allele has an overall frequency of <0.001% (1/249950) total alleles studied. The highest observed frequency was 0.001% (1/113268) of European (non-Finnish) alleles. Based on insufficient or conflicting evidence, the clinical significance of this alteration remains unclear.

Labcorp Genetics (formerly Invitae), Labcorp
Classification: Uncertain significance for Mowat-Wilson syndrome. Last evaluated: 2025-06-10. Review status: criteria provided, single submitter. Criteria: Invitae Variant Classification Sherloc (09022015). Collection method: clinical testing. Allele origin: germline.
Comment: This sequence change replaces serine, which is neutral and polar, with leucine, which is neutral and non-polar, at codon 327 of the ZEB2 protein (p.Ser327Leu). This variant is present in population databases (no rsID available, gnomAD 0.0009%). This variant has not been reported in the literature in individuals affected with ZEB2-related conditions. Invitae Evidence Modeling of protein sequence and biophysical properties (such as structural, functional, and spatial information, amino acid conservation, physicochemical variation, residue mobility, and thermodynamic stability) indicates that this missense variant is expected to disrupt ZEB2 protein function with a positive predictive value of 80%. In summary, the available evidence is currently insufficient to determine the role of this variant in disease. Therefore, it has been classified as a Variant of Uncertain Significance.